The following is an entry in ClinVar:

NM_016239.4(MYO15A):c.4609G>A (p.Glu1537Lys)

Gene: MYO15A (myosin XVA; plus strand). Cytogenetic location: 17p11.2.
Variant type: single nucleotide variant.
Coding change: c.4609G>A on transcript NM_016239.4 (MANE Select); coding-DNA position 4609, G replaced by A.
Protein change: p.Glu1537Lys; replaces glutamic acid 1537 with lysine.
Molecular consequence: missense variant.
Genome position (GRCh38, 1-based): chr17:18,136,429, G>A. VCF-style: chr17-18136429-G-A. GRCh37 (hg19) VCF-style: chr17-18039743-G-A.
Other names: short protein forms E1537K.
Identifiers: ClinVar variation 546150 (VCV000546150.2), dbSNP rs1555543432, ClinGen allele CA398594825.

ClinVar aggregate classification (germline): Uncertain significance (1 of 4 stars; one submission).

Submission:

GeneDx
Classification: Uncertain significance. Last evaluated: 2018-05-01. Review status: criteria provided, single submitter. Criteria: GeneDx Variant Classification (06012015). Collection method: clinical testing. Allele origin: germline. Affected: yes.
Comment: The E1537K variant has not been published as a pathogenic variant, nor has it been reported as a benign variant to our knowledge. The variant is not observed in large population cohorts (Lek et al., 2016). E1537K is a non-conservative amino acid substitution, which is likely to impact secondary protein structure as these residues differ in polarity, charge, size and/or other properties. In-silico analyses, including protein predictors and evolutionary conservation, support a deleterious effect. In summary, based on the currently available information, it is unclear whether this variant is a pathogenic variant or a rare benign variant.